The following is an entry in ClinVar:

NM_000558.5(HBA1):c.98T>A (p.Met33Lys)

Genes: HBA1 (hemoglobin subunit alpha 1; plus strand), LOC106804613 (hemoglobin subunit alpha 1 recombination region; plus strand). Cytogenetic location: 16p13.3.
Variant type: single nucleotide variant.
Coding change: c.98T>A on transcript NM_000558.5 (MANE Select); coding-DNA position 98, T replaced by A.
Protein change: p.Met33Lys; replaces methionine 33 with lysine.
Molecular consequence: missense variant.
Genome position (GRCh38, 1-based): chr16:176,931, T>A. VCF-style: chr16-176931-T-A. GRCh37 (hg19) VCF-style: chr16-226930-T-A.
Other names: c.98T>A (NM_000558.4); short protein forms M33K.
Identifiers: ClinVar variation 1330794 (VCV001330794.9), dbSNP rs281864566, ClinGen allele CA276416654.

ClinVar aggregate classification (germline): Conflicting classifications of pathogenicity. Review status: criteria provided, conflicting classifications (1 of 4 stars). 3 submissions from 3 submitters: Pathogenic (1); Likely pathogenic (1); Uncertain significance (1). Last evaluated 2025-12-02.

Conditions:
alpha Thalassemia. Also called: Alpha thalassemia spectrum. Identifiers: Orphanet 846, MedGen C0002312, MONDO:0011399, OMIM 604131.

Submissions (3):

Natera, Inc.
Classification: Likely pathogenic for Alpha thalassemia. Last evaluated: 2025-12-02. Review status: criteria provided, single submitter. Criteria: Natera Variant Classification Schema (03/2026). Collection method: clinical testing. Allele origin: germline.
Comment: The c.98T>A variant in HBA1 is a missense variant predicted to cause substitution of methionine to lysine at amino acid 33. This variant is rare in the general population with a frequency below the threshold expected for the associated phenotype(s). This variant has been observed in one or more individuals affected with the associated recessive disease, as either homozygous or compound heterozygous with a second variant (PMID: 39286901, 20353346, 22384838, 24081251). Computational prediction algorithms indicate this variant is likely to affect gene or protein function. Given the available evidence, this variant is classified as Likely Pathogenic.

Women's Health and Genetics/Laboratory Corporation of America, LabCorp
Classification: Uncertain significance. Last evaluated: 2023-05-25. Review status: criteria provided, single submitter. Criteria: LabCorp Variant Classification Summary - May 2015. Collection method: clinical testing. Allele origin: germline.
Comment: Variant summary: HBA1 c.98T>A (p.Met33Lys), also referred to as Hb Queens Park, results in a non-conservative amino acid change located in the globin domain (IPR000971) of the encoded protein sequence. Five of five in-silico tools predict a damaging effect of the variant on protein function. This variant is also located near a canonical splice site and therefore could have an impact on normal RNA splicing: three computational tools predict the variant has no significant impact on splicing, whereas one predicts the variant slightly weakens the canonical 3' acceptor site. However, these predictions have yet to be confirmed by functional studies. The variant was absent in 129824 control chromosomes (gnomAD). c.98T>A has been reported in the literature in two individuals together with the --SEA deletion, who were affected with a moderate microcytic-hypochromic anemia, and were positive for HbH inclusion bodies (Sroymora_2012, Viprakasit_2014), consistent with a (mild) HbH disease. In addition, the variant was also reported in trans with the -a3.7 deletion, in an individual who was affected with a mild microcytic-hypochromic anemia, without HbH inclusion bodies (Phylipsen_2010); this clinical picture is compatible with an alpha thalassemia trait (alpha thalassemia minor). Finally, the variant was also reported in silent carriers (He_2017, Tan_2021). These data indicate that the variant may be associated with disease. To our knowledge, no experimental evidence demonstrating this impact on protein function has been reported, however it has been suggested that the variant might result in an unstable protein, due to disrupting an amino acid that is important for alpha-beta globin contacts (Phylipsen_2010) or heme contact (Brennan_2017). In addition, other variants affecting the same amino acid (Met33Ile/Thr) have been reported in affected individuals (HGMD). The following publications have been ascertained in the context of this evaluation (PMID: 20353346, 22384838, 33439495, 24081251, 28125089, 28696843). One clinical diagnostic laboratory has submitted a clinical-significance assessment for this variant to ClinVar after 2014 and classified the variant as pathogenic. Based on the evidence outlined above, the variant was classified as VUS-possibly pathogenic.

ARUP Laboratories, Molecular Genetics and Genomics, ARUP Laboratories
Classification: Pathogenic. Last evaluated: 2021-03-26. Review status: criteria provided, single submitter. Criteria: ARUP Molecular Germline Variant Investigation Process 2021. Collection method: clinical testing. Allele origin: germline.
Comment: The Hb Queens Park variant (HBA1: c.98T>A; p.Met33Lys, also known as Met32Lys when numbered from the mature protein, rs281864566) is reported in the literature in an individual with microcytic anemia who also carries the –alpha3.7 deletion (Phylipsen 2010, see HbVar Hb Queens Park link). This variant is absent from general population databases (Exome Variant Server, Genome Aggregation Database), indicating it is not a common polymorphism. The methionine at codon 33 is highly conserved, and computational analyses (REVEL: 0.835) predict that this variant is deleterious. Additionally, variants at this residue occur in a region important for alpha-beta globin contacts and are not usually detected by HPLC and thus are considered unstable (Brennan 2017, Harteveld 2005). Furthermore, a different variant at this codon (p.Met33Ile) is reported in individuals with microcytic anemia and is considered to be disease-causing (Brennan 2017, Harteveld 2005, see HbVar Hb Amsterdam-A1 link). Based on available information, the Hb Queens Park variant is considered to be pathogenic. References: HbVar link to Hb Amsterdam-A1: HbVar link to Hb Queens Park: Brennan SO et al. Hb Amsterdam-A1 (a32(B13)Met?Ile; HBA1: c.99G>A): A Hyperunstable Variant Due to a New Mutation on the a1 Gene. Hemoglobin. 2017 Mar;41(2):140-143. Harteveld CL et al. Hb Amsterdam (alpha32(B13)Met--Ile (alpha2)): a new unstable variant associated with an alpha-thalassemia phenotype and a new African polymorphism. Hemoglobin. 2005;29(4):257-62. Phylipsen M et al. Two new alpha1-globin gene point mutations: Hb Nedlands (HBA1:c.86C>T) (alpha28(B9)Ala-->Val) and Hb Queens Park (HBA1:c.98T>A) (alpha32(B13)Met-->Lys). Hemoglobin. 2010 Jan;34(2):123-6.

Literature cited by the submitters: PubMed 39286901 (cited by Natera, Inc.); PubMed 20353346 (cited by Natera, Inc. and Women's Health and Genetics/Laboratory Corporation of America, LabCorp); PubMed 22384838 (cited by Natera, Inc. and Women's Health and Genetics/Laboratory Corporation of America, LabCorp); PubMed 24081251 (cited by Natera, Inc. and Women's Health and Genetics/Laboratory Corporation of America, LabCorp); PubMed 28125089 (cited by Women's Health and Genetics/Laboratory Corporation of America, LabCorp); PubMed 33439495 (cited by Women's Health and Genetics/Laboratory Corporation of America, LabCorp); PubMed 28696843 (cited by Women's Health and Genetics/Laboratory Corporation of America, LabCorp).